The following is an entry in ClinVar:

NM_000246.4(CIITA):c.2924A>G (p.Lys975Arg)

Gene: CIITA (class II major histocompatibility complex transactivator; plus strand). Cytogenetic location: 16p13.13.
Variant type: single nucleotide variant.
Coding change: c.2924A>G on transcript NM_000246.4 (MANE Select); coding-DNA position 2924, A replaced by G.
Protein change: p.Lys975Arg; replaces lysine 975 with arginine.
Molecular consequence: missense variant. On other transcripts: non-coding transcript variant (1).
Genome position (GRCh38, 1-based): chr16:10,915,605, A>G. VCF-style: chr16-10915605-A-G. GRCh37 (hg19) VCF-style: chr16-11009462-A-G.
Other names: c.2927A>G, p.Lys976Arg (NM_001286402.1, NM_001379332.1); c.1172A>G, p.Lys391Arg (NM_001286403.2); c.2780A>G, p.Lys927Arg (NM_001379330.1); c.2777A>G, p.Lys926Arg (NM_001379331.1); c.2924A>G, p.Lys975Arg (NM_001379333.1); c.2855A>G, p.Lys952Arg (NM_001379334.1); short protein forms K975R, K391R, K976R, K926R, K927R, K952R.
Identifiers: ClinVar variation 317721 (VCV000317721.18), dbSNP rs140103491, ClinGen allele CA7900583.
Genomic context (GRCh38, chr16:10,915,605, plus strand): 5'-CTTACCCTTGCTCTTTGCCTCCTAGGCTGGGCCCTGTCTCAGGCCCCCAGGCTTTCCCCA[A>G]ACTGGTGCGGATCCTCACGGCCTTTTCCTCCCTGCAGCATCTGGAGTGAGTATAGACTCT-3'
Protein context (NP_000237.2, residues 965-985): GPVSGPQAFP[Lys975Arg]LVRILTAFSS

ClinVar aggregate classification (germline): Benign. Review status: criteria provided, multiple submitters, no conflicts (2 of 4 stars). 4 submissions from 4 submitters: Benign (3). 1 of the submissions does not count toward it. Last evaluated 2026-02-04.

Conditions:
MHC class II deficiency. Also called: Bare lymphocyte syndrome 2; BLS, TYPE II. Identifiers: Orphanet 572, MedGen C5447452, MONDO:0008855.

Allele frequency attached by ClinVar (database versions not stated): 1000 Genomes Project 0.01278; gnomAD 0.00011 and 0.00214; ESP Exome Variant Server 0.00015; TOPMed 0.00040; gnomAD exomes 0.00646; ExAC 0.00742; 1000 Genomes Project 30x 0.01202.
gnomAD v4.1: 5,116 of 1,613,994 alleles (0.32%); highest among the groups gnomAD compares: South Asian, 5.2%; 180 homozygotes.

Submissions (7):

Labcorp Genetics (formerly Invitae), Labcorp
Classification: Benign for MHC class II deficiency. Last evaluated: 2026-02-04. Review status: criteria provided, single submitter. Criteria: Invitae Variant Classification Sherloc (09022015). Collection method: clinical testing. Allele origin: germline.

Illumina Laboratory Services, Illumina
Classification: Benign for MHC class II deficiency 1. Last evaluated: 2018-01-13. Review status: criteria provided, single submitter. Criteria: ICSL Variant Classification Criteria 13 December 2019. Collection method: clinical testing. Allele origin: germline.
Comment: This variant was observed in the ICSL laboratory as part of a predisposition screen in an ostensibly healthy population. It had not been previously curated by ICSL or reported in the Human Gene Mutation Database (HGMD: prior to June 1st, 2018), and was therefore a candidate for classification through an automated scoring system. Utilizing variant allele frequency, disease prevalence and penetrance estimates, and inheritance mode, an automated score was calculated to assess if this variant is too frequent to cause the disease. Based on the score and internal cut-off values, a variant classified as benign is not then subjected to further curation. The score for this variant resulted in a classification of benign for this disease.

Breakthrough Genomics
Classification: Benign. Review status: criteria provided, single submitter. Criteria: ACMG Guidelines, 2015. Collection method: not provided. Allele origin: germline. Inheritance: Autosomal recessive inheritance. Affected: yes.

Natera, Inc.
Classification: Benign for Bare lymphocyte syndrome type II. Last evaluated: 2020-09-16. Review status: no assertion criteria provided. Collection method: clinical testing. Allele origin: germline. Not counted in ClinVar's aggregate classification.

Dr. Peter K. Rogan Lab, Western University
No classification provided (evidence only). Condition: Cervical cancer. Review status: no classification provided. Collection method: in vitro. Allele origin: not applicable. Functional consequence: retained intron. Not counted in ClinVar's aggregate classification.

Dr. Peter K. Rogan Lab, Western University
No classification provided (evidence only). Condition: Hepatocellular carcinoma. Review status: no classification provided. Collection method: in vitro. Allele origin: not applicable. Functional consequence: retained intron. Not counted in ClinVar's aggregate classification.

Dr. Peter K. Rogan Lab, Western University
No classification provided (evidence only). Condition: Ovarian serous cystadenocarcinoma. Review status: no classification provided. Collection method: in vitro. Allele origin: not applicable. Functional consequence: retained intron. Not counted in ClinVar's aggregate classification.